The following is an entry in ClinVar:

NM_001083962.2(TCF4):c.1454_1455del (p.Pro485fs)

Gene: TCF4 (transcription factor 4; minus strand). Cytogenetic location: 18q21.2.
Variant type: Deletion.
Coding change: c.1454_1455del on transcript NM_001083962.2 (MANE Select); coding-DNA positions 1454 to 1455, 2 bases deleted (CT; older notation c.1454_1455delCT).
Protein change: p.Pro485fs; shifts the reading frame from proline 485.
Molecular consequence: frameshift variant.
Genome position (GRCh38, 1-based): chr18:55,234,579-55,234,580, AG deleted on the plus strand (CT on the coding strand, the reverse complement: TCF4 is on the minus strand). VCF-style (leftmost placement, unchanged base first): chr18-55234578-CAG-C. GRCh37 (hg19) VCF-style: chr18-52901809-CAG-C.
Other names: c.1454_1455del, p.Pro485fs (NM_001369571.1, NM_001369572.1, NM_001369567.1 and 2 more transcripts); c.1451_1452del, p.Pro484fs (NM_001369573.1, NM_001369574.1, NM_001330604.3 and 2 more transcripts); c.1382_1383del, p.Pro461fs (NM_001369575.1, NM_001243227.2, NM_001306207.1 and 5 more transcripts); c.1379_1380del, p.Pro460fs (NM_001369576.1, NM_001369577.1, NM_001369578.1 and 6 more transcripts); c.1760_1761del, p.Pro587fs (NM_001243226.3); c.1472_1473del, p.Pro491fs (NM_001243228.2); c.1445_1446del, p.Pro482fs (NM_001243230.2); c.1328_1329del, p.Pro443fs (NM_001243231.2, NM_001348211.2); and 6 more; short protein forms P269fs, P324fs, P325fs, P355fs, P414fs, P443fs, P460fs, P461fs.
Identifiers: ClinVar variation 1325854 (VCV001325854.1), dbSNP rs2144676461, ClinGen allele CA2573054681.

ClinVar aggregate classification (germline): Likely pathogenic (1 of 4 stars; one submission).

Conditions:
Pitt-Hopkins syndrome (PTHS). Also called: MENTAL RETARDATION, SYNDROMAL, WITH INTERMITTENT HYPERVENTILATION; ENCEPHALOPATHY, SEVERE EPILEPTIC, WITH AUTONOMIC DYSFUNCTION. Identifiers: Orphanet 2896, MedGen C1970431, MONDO:0012589, OMIM 610954.

Submission:

Institute of Human Genetics, University of Leipzig Medical Center
Classification: Likely pathogenic for Pitt-Hopkins syndrome. Last evaluated: 2021-10-19. Review status: criteria provided, single submitter. Criteria: ACMG Guidelines, 2015. Collection method: clinical testing. Allele origin: germline. Affected: yes.
Comment: _x000D_ Criteria applied: PVS1, PM2_SUP